The following is an entry in ClinVar:

ClinVar aggregate classification (germline): Uncertain significance (0 of 4 stars; one submission).

Conditions:
PCDH15-related disorder. Also called: PCDH15-related condition; PCDH15-related disorders.

Submission:

PreventionGenetics, part of Exact Sciences
Classification: Uncertain significance for PCDH15-related condition. Last evaluated: 2024-08-29. Review status: no assertion criteria provided. Collection method: clinical testing. Allele origin: germline.
Comment: The PCDH15 c.4542_4567dup26 variant is predicted to result in a frameshift and premature protein termination (p.Ser1523Asnfs*9). To our knowledge, this variant has not been reported in the literature or in a large population database, indicating this variant is rare. This variant occurs in the last exon of the PCDH15 alternatively spliced transcript known as CD1 (NM_033056), but this exon is not required for proper inner ear hair cell function and maintenance of hearing and is not included in the biologically relevant transcript for hearing loss known as CD2 (NM_001142769; Webb et al. 2011. PubMed ID: 21427143; Pepermans et al. 2014. PubMed ID: 24940003). Furthermore, loss of function variants in this exon of CD1 have been shown to occur at population frequencies inconsistent with pathogenicity (Perreault-Micale et al. 2014. PubMed ID: 25307757). This variant is interpreted as suspected benign.

NM_033056.4(PCDH15):c.4542_4567dup (p.Ser1523delinsAsnPheTyrLeuMetArgMetThrTer)

Gene: PCDH15 (protocadherin related 15; minus strand). Cytogenetic location: 10q21.1.
Variant type: Duplication.
Coding change: c.4542_4567dup on transcript NM_033056.4 (MANE Plus Clinical); coding-DNA positions 4542 to 4567, 26 bases duplicated (ATTTCTATCTGATGAGGATGACTTAA).
Protein change: p.Ser1523delinsAsnPheTyrLeuMetArgMetThrTer.
Molecular consequence: nonsense. On other transcripts: intron variant (8).
Genome position (GRCh38, 1-based): chr10:53,823,159-53,823,184, TTAAGTCATCCTCATCAGATAGAAAT duplicated on the plus strand (ATTTCTATCTGATGAGGATGACTTAA on the coding strand, the reverse complement: PCDH15 is on the minus strand). VCF-style (leftmost placement, unchanged base first): chr10-53823158-C-CTTAAGTCATCCTCATCAGATAGAAAT. GRCh37 (hg19) VCF-style: chr10-55582918-C-CTTAAGTCATCCTCATCAGATAGAAAT.
Other names: c.4476_4501dup, p.Ser1501delinsAsnPheTyrLeuMetArgMetThrTer (NM_001354404.2); c.4367+4209_4367+4234dup (NM_001354420.2, NM_001354429.2); c.4368-2954_4368-2929dup (NM_001384140.1); c.4373+1952_4373+1977dup (NM_001142772.2, NM_001142770.3); c.4388+1952_4388+1977dup (NM_001142771.2); c.4388+4209_4388+4234dup (NM_001354411.2); c.4409+1952_4409+1977dup (NM_001142769.3); c.4563_4588dup, p.Ser1530delinsAsnPheTyrLeuMetArgMetThrTer (NM_001142763.2); and 6 more.
Identifiers: ClinVar variation 3351318 (VCV003351318.1).